The following is an entry in ClinVar:

NM_000414.4(HSD17B4):c.652_656del (p.Val218fs)

Gene: HSD17B4 (hydroxysteroid 17-beta dehydrogenase 4; plus strand). Cytogenetic location: 5q23.1.
Variant type: Deletion.
Coding change: c.652_656del on transcript NM_000414.4 (MANE Select); coding-DNA positions 652 to 656, 5 bases deleted (GTGGC; older notation c.652_656delGTGGC).
Protein change: p.Val218fs; shifts the reading frame from valine 218.
Molecular consequence: frameshift variant. On other transcripts: non-coding transcript variant (2).
Genome position (GRCh38, 1-based): chr5:119,489,221-119,489,225, GTGGC deleted. VCF-style (leftmost placement, unchanged base first): chr5-119489220-TGTGGC-T. GRCh37 (hg19) VCF-style: chr5-118824915-TGTGGC-T.
Other names: c.727_731del, p.Val243fs (NM_001199291.3); c.598_602del, p.Val200fs (NM_001199292.2); c.580_584del, p.Val194fs (NM_001292027.2); c.232_236del, p.Val78fs (NM_001292028.2); c.643_647del, p.Val215fs (NM_001374497.1); c.652_656del, p.Val218fs (NM_001374498.1); c.325_329del, p.Val109fs (NM_001374499.1); c.211_215del, p.Val71fs (NM_001374500.1); and 1 more; short protein forms V109fs, V194fs, V200fs, V215fs, V218fs, V243fs, V71fs, V78fs.
Identifiers: ClinVar variation 1724204 (VCV001724204.3), dbSNP rs2531676301, ClinGen allele CA2580072409.

ClinVar aggregate classification (germline): Likely pathogenic (1 of 4 stars; one submission).

Conditions:
Bifunctional peroxisomal enzyme deficiency (DBIF). Also called: DBP DEFICIENCY; PBFE DEFICIENCY; D-bifunctional protein deficiency. Identifiers: Orphanet 300, MedGen C0342870, MONDO:0009855, OMIM 261515. Disease mechanism: loss of function.

Submission:

Myriad Genetics, Inc.
Classification: Likely pathogenic for Bifunctional peroxisomal enzyme deficiency. Last evaluated: 2022-02-01. Review status: criteria provided, single submitter. Criteria: Myriad Autosomal Dominant, Autosomal Recessive and X-Linked Classification Criteria (2023). Collection method: clinical testing. Allele origin: unknown.
Comment: NM_000414.3(HSD17B4):c.652_656del5(V218Tfs*12) is expected to be pathogenic in the context of HSD17B4-related disorders. This variant is predicted to lead to an abnormal or absent protein product due to the creation of a premature termination codon in HSD17B4, a gene where loss-of-function variants are known to be pathogenic. Please note: this variant was assessed in the context of healthy population screening.